The following is an entry in ClinVar:

NM_000361.3(THBD):c.1187C>G (p.Pro396Arg)

Gene: THBD (thrombomodulin; minus strand). Cytogenetic location: 20p11.21.
Variant type: single nucleotide variant.
Coding change: c.1187C>G on transcript NM_000361.3 (MANE Select); coding-DNA position 1187, C replaced by G.
Protein change: p.Pro396Arg; replaces proline 396 with arginine.
Molecular consequence: missense variant.
Genome position (GRCh38, 1-based): chr20:23,048,318, G>C on the plus strand (C>G on the coding strand, the complement: THBD is on the minus strand). VCF-style: chr20-23048318-G-C. GRCh37 (hg19) VCF-style: chr20-23028955-G-C.
Other names: short protein forms P396R.
Identifiers: ClinVar variation 2695700 (VCV002695700.4), dbSNP rs761493124, ClinGen allele CA9787602.

ClinVar aggregate classification (germline): Uncertain significance. Review status: criteria provided, multiple submitters, no conflicts (2 of 4 stars). 3 submissions from 3 submitters: Uncertain significance (3). Last evaluated 2025-09-22.

Conditions:
Thrombomodulin-related bleeding disorder (THPH12). Also called: Thrombophilia due to thrombomodulin defect. Identifiers: Orphanet 436169, MedGen C3280976, MONDO:0013775, OMIM 614486.

Allele frequency attached by ClinVar (database versions not stated): TOPMed below 0.00001; ExAC 0.00002; gnomAD exomes 0.00002.

Submissions (3):

Genomenon, Inc
Classification: Uncertain significance for Thrombomodulin-related bleeding disorder. Last evaluated: 2025-09-22. Review status: criteria provided, single submitter. Criteria: Genomenon Sequence Variant Interpretation Standards - Updated. Collection method: curation. Allele origin: germline. Affected: no.
Comment: THBD p.Pro396Arg (c.1187C>G) is a missense variant that changes the amino acid at residue 396 from Proline to Arginine. This variant has been reported in the published literature (PMID:33213850). It is absent or not present at a significant frequency in gnomAD. In silico models agree that this variant is not damaging. In conclusion, we classify THBD p.Pro396Arg (c.1187C>G) as a variant of unknown significance.

Clinical Genomics Laboratory, Washington University in St. Louis
Classification: Uncertain significance for Thrombomodulin-related bleeding disorder. Last evaluated: 2025-06-02. Review status: criteria provided, single submitter. Criteria: ACMG Guidelines, 2015. Collection method: clinical testing. Allele origin: germline.
Comment: The THBD c.1187C>G (p.Pro396Arg) variant has been reported in one individuals affected with atypical hemolytic uremic syndrome (Yun JW et al., PMID: 33213850). This variant has been reported in the ClinVar database as a germline variant of uncertain significance by one submitter. This variant is only observed in 10/1,613,906 alleles in the general population (gnomAD v.4.1.0), indicating it is not a common variant. Computational predictors suggest that the variant does not impact THBD function. Due to limited information, and based on ACMG/AMP guidelines for variant interpretation (Richards S et al., PMID: 25741868), the clinical significance of this variant is uncertain at this time.

Labcorp Genetics (formerly Invitae), Labcorp
Classification: Uncertain significance. Last evaluated: 2024-02-08. Review status: criteria provided, single submitter. Criteria: Invitae Variant Classification Sherloc (09022015). Collection method: clinical testing. Allele origin: germline.
Comment: This sequence change replaces proline, which is neutral and non-polar, with arginine, which is basic and polar, at codon 396 of the THBD protein (p.Pro396Arg). This variant is present in population databases (rs761493124, gnomAD 0.02%). This missense change has been observed in individual(s) with hemolytic uremic syndrome (PMID: 33213850). Advanced modeling of protein sequence and biophysical properties (such as structural, functional, and spatial information, amino acid conservation, physicochemical variation, residue mobility, and thermodynamic stability) performed at Invitae indicates that this missense variant is expected to disrupt THBD protein function with a positive predictive value of 80%. In summary, the available evidence is currently insufficient to determine the role of this variant in disease. Therefore, it has been classified as a Variant of Uncertain Significance.

Literature cited by the submitters: PubMed 33213850 (cited by Genomenon, Inc and Labcorp Genetics (formerly Invitae), Labcorp).